The following is an entry in ClinVar:

ClinVar aggregate classification (germline): Conflicting classifications of pathogenicity. Review status: criteria provided, conflicting classifications (1 of 4 stars). 7 submissions from 6 submitters: Uncertain significance (3); Benign (1); Likely benign (2). 1 of the submissions does not count toward it. Last evaluated 2025-09-12.

Conditions:
SYNE1-related disorder. Also called: SYNE1-related disorders; SYNE1-related disease; SYNE1-related condition.
Autosomal recessive ataxia, Beauce type. Also called: Spinocerebellar ataxia, autosomal recessive 8; ATAXIA, RECESSIVE, OF BEAUCE; SYNE1 Deficiency; SYNE1-Related Autosomal Recessive Cerebellar Ataxia. Identifiers: Orphanet 88644, MedGen C1853116, MONDO:0012549, OMIM 610743.
Emery-Dreifuss muscular dystrophy 4, autosomal dominant (EDMD4). Also called: EMERY-DREIFUSS MUSCULAR DYSTROPHY 4 WITH VARIABLE FEATURES. Identifiers: Orphanet 261, MedGen C2751807, MONDO:0013071, OMIM 612998.

Allele frequency attached by ClinVar (database versions not stated): ExAC 0.00006; gnomAD 0.00006; ESP Exome Variant Server 0.00008; gnomAD exomes 0.00008 and 0.00014; TOPMed 0.00010.
gnomAD v4.1: 220 of 1,613,952 alleles (0.014%); highest among the groups gnomAD compares: Non-Finnish European, 0.017%; no homozygotes.

Submissions (7):

Labcorp Genetics (formerly Invitae), Labcorp
Classification: Likely benign for Emery-Dreifuss muscular dystrophy 4, autosomal dominant; Autosomal recessive ataxia, Beauce type. Last evaluated: 2025-09-12. Review status: criteria provided, single submitter. Criteria: Invitae Variant Classification Sherloc (09022015). Collection method: clinical testing. Allele origin: germline.

Revvity Omics, Revvity
Classification: Uncertain significance. Last evaluated: 2024-09-04. Review status: criteria provided, single submitter. Criteria: ACMG Guidelines, 2015. Collection method: clinical testing. Allele origin: germline.

GeneDx
Classification: Likely benign. Last evaluated: 2019-05-29. Review status: criteria provided, single submitter. Criteria: GeneDx Variant Classification Process June 2021. Collection method: clinical testing. Allele origin: germline. Affected: yes.

Illumina Laboratory Services, Illumina
Classification: Benign for Emery-Dreifuss muscular dystrophy 4, autosomal dominant. Last evaluated: 2018-01-13. Review status: criteria provided, single submitter. Criteria: ICSL Variant Classification Criteria 13 December 2019. Collection method: clinical testing. Allele origin: germline.
Comment: This variant was observed in the ICSL laboratory as part of a predisposition screen in an ostensibly healthy population. It had not been previously curated by ICSL or reported in the Human Gene Mutation Database (HGMD: prior to June 1st, 2018), and was therefore a candidate for classification through an automated scoring system. Utilizing variant allele frequency, disease prevalence and penetrance estimates, and inheritance mode, an automated score was calculated to assess if this variant is too frequent to cause the disease. Based on the score and internal cut-off values, a variant classified as benign is not then subjected to further curation. The score for this variant resulted in a classification of benign for this disease.

Illumina Laboratory Services, Illumina
Classification: Uncertain significance for Autosomal recessive ataxia, Beauce type. Last evaluated: 2018-01-13. Review status: criteria provided, single submitter. Criteria: ICSL Variant Classification Criteria 13 December 2019. Collection method: clinical testing. Allele origin: germline.

Eurofins Ntd Llc (ga)
Classification: Uncertain significance. Last evaluated: 2016-03-10. Review status: criteria provided, single submitter. Criteria: EGL Classification Definitions 2015. Collection method: clinical testing. Allele origin: germline. Observed: 1 variant allele, 1 heterozygote.

PreventionGenetics, part of Exact Sciences
Classification: Likely benign for SYNE1-related condition. Last evaluated: 2019-05-06. Review status: no assertion criteria provided. Collection method: clinical testing. Allele origin: germline. Not counted in ClinVar's aggregate classification.
Comment: This variant is classified as likely benign based on ACMG/AMP sequence variant interpretation guidelines (Richards et al. 2015 PMID: 25741868, with internal and published modifications).

NM_182961.4(SYNE1):c.10149A>G (p.Gln3383=)

Gene: SYNE1 (spectrin repeat containing nuclear envelope protein 1; minus strand). Cytogenetic location: 6q25.2.
Variant type: single nucleotide variant.
Coding change: c.10149A>G on transcript NM_182961.4 (MANE Select); coding-DNA position 10149, A replaced by G.
Protein change: p.Gln3383=; no amino-acid change (glutamine 3383 retained).
Molecular consequence: synonymous variant.
Genome position (GRCh38, 1-based): chr6:152,362,320, T>C on the plus strand (A>G on the coding strand, the complement: SYNE1 is on the minus strand). VCF-style: chr6-152362320-T-C. GRCh37 (hg19) VCF-style: chr6-152683455-T-C.
Other names: c.10170A>G, p.Gln3390= (NM_033071.5).
Identifiers: ClinVar variation 286586 (VCV000286586.24), dbSNP rs369227827, ClinGen allele CA4057040.
Genomic context (GRCh38, chr6:152,362,320, plus strand): 5'-ACCGGAGAACTGTCGAACGCCATCCTGATAACTTGTCCACTTGGAGAGAGCTCCTTCGAG[T>C]TGGCTGAAAGGGATTTGAAAGGACAATAAATCCACATTGAGAATCCTTAGGAGTCTAAAA-3'
Protein context (NP_892006.3, residues 3373-3393): LLSAGIRCKS[Gln3383=]LEGALSKWTS